The following is an entry in ClinVar:

ClinVar aggregate classification (germline): Uncertain significance (0 of 4 stars; one submission).

Conditions:
Polycystic kidney disease. Also called: Polycystic kidney dysplasia; Kidney, Polycystic. Identifiers: MedGen C0022680, MeSH D007690, MONDO:0020642, HP:0000113.

Allele frequency attached by ClinVar (database versions not stated): gnomAD exomes below 0.00001; ExAC 0.00001; gnomAD 0.00001; TOPMed 0.00001.
gnomAD v4.1: 7 of 1,610,480 alleles (0.00043%); highest among the groups gnomAD compares: East Asian, 0.0045%; no homozygotes.

Submission:

Department of Pathology and Laboratory Medicine, Sinai Health System
Classification: Uncertain significance for Polycystic Kidney disease. Review status: no assertion criteria provided. Collection method: clinical testing. Allele origin: unknown. Affected: yes. Study: The Canadian Open Genetics Repository (COGR).
Comment: The PKD1 p.Phe1766Cys variant was not identified in the literature nor was it identified in the ClinVar, COGR, LOVD 3.0, or ADPKD Mutation databases. The variant was identified in dbSNP (ID: rs767720073 as â€šÃ„ÃºNAâ€šÃ„Ã¹). The variant was identified in control databases in 1 of 244902 chromosomes at a frequency of 0.000004 (Genome Aggregation Database Feb 27, 2017). It was observed in the East Asian population in 1 of 17236 chromosomes (freq: 0.000058), but not in the African, Other, Latino, European Non-Finnish, Ashkenazi Jewish, European Finnish, or South Asian populations. The p.Phe1766 residue is not conserved in mammals and computational analyses (PolyPhen-2, SIFT, AlignGVGD, BLOSUM, MutationTaster) provide inconsistent predictions regarding the impact to the protein; this information is not very predictive of pathogenicity. The variant occurs outside of the splicing consensus sequence and 2 of 4 in silico or computational prediction software programs (SpliceSiteFinder, MaxEntScan, NNSPLICE, GeneSplicer) predict a greater than 10% difference in splicing; this is not very predictive of pathogenicity. In summary, based on the above information, the clinical significance of this variant cannot be determined with certainty at this time. This variant is classified as a variant of uncertain significance.

NM_001009944.3(PKD1):c.5297T>G (p.Phe1766Cys)

Gene: PKD1 (polycystin 1, transient receptor potential channel interacting; minus strand). Cytogenetic location: 16p13.3.
Variant type: single nucleotide variant.
Coding change: c.5297T>G on transcript NM_001009944.3 (MANE Select); coding-DNA position 5297, T replaced by G.
Protein change: p.Phe1766Cys; replaces phenylalanine 1766 with cysteine.
Molecular consequence: missense variant.
Genome position (GRCh38, 1-based): chr16:2,109,870, A>C on the plus strand (T>G on the coding strand, the complement: PKD1 is on the minus strand). VCF-style: chr16-2109870-A-C. GRCh37 (hg19) VCF-style: chr16-2159871-A-C.
Other names: c.5297T>G, p.Phe1766Cys (NM_000296.4); short protein forms F1766C.
Identifiers: ClinVar variation 997383 (VCV000997383.1), dbSNP rs767720073, ClinGen allele CA7832042.